The following is an entry in ClinVar:

ClinVar aggregate classification (germline): Likely pathogenic (1 of 4 stars; one submission).

Conditions:
Hyperlipoproteinemia, type I. Also called: Hyperlipoproteinemia type 1; Hyperchylomicro-nemia familial; Familial chylomicronemia; Hyperlipemia idiopathic Burger-Grutz type; Familial hyperlipo-proteinemia type 1; Hyperlipemia essential familial. Identifiers: Orphanet 309015, Orphanet 444490, MedGen C0023817, MONDO:0009387, OMIM 238600. Disease mechanism: loss of function.

Submission:

Natera, Inc.
Classification: Likely pathogenic for Lipoprotein lipase deficiency. Last evaluated: 2025-02-03. Review status: criteria provided, single submitter. Criteria: Natera Variant Classification Schema (03/2026). Collection method: clinical testing. Allele origin: germline.
Comment: The c.175G>T variant in LPL is a nonsense variant predicted to introduce a stop codon at amino acid 59. This variant is expected to result in nonsense mediated decay, truncation, or a dysfunctional protein product. This variant is rare in the general population with a frequency below the threshold expected for the associated phenotype(s). Given the available evidence, this variant is classified as Likely Pathogenic.

NM_000237.3(LPL):c.175G>T (p.Gly59Ter)

Gene: LPL (lipoprotein lipase; plus strand). Cytogenetic location: 8p21.3.
Variant type: single nucleotide variant.
Coding change: c.175G>T on transcript NM_000237.3 (MANE Select); coding-DNA position 175, G replaced by T.
Protein change: p.Gly59Ter; replaces glycine 59 with a stop codon.
Molecular consequence: nonsense.
Genome position (GRCh38, 1-based): chr8:19,948,266, G>T. VCF-style: chr8-19948266-G-T. GRCh37 (hg19) VCF-style: chr8-19805777-G-T.
Other names: short protein forms G59*.
Identifiers: ClinVar variation 4070182 (VCV004070182.2).